The following is an entry in ClinVar:

ClinVar aggregate classification (germline): Uncertain significance (1 of 4 stars; one submission).

Conditions:
Inborn genetic diseases. Identifiers: MedGen C0950123, MeSH D030342.

gnomAD v4.1: 1 of 1,613,972 alleles (0.000062%); highest among the groups gnomAD compares: Non-Finnish European, 0.000085%; no homozygotes.

Submission:

Ambry Genetics
Classification: Uncertain significance for Inborn genetic diseases. Last evaluated: 2025-01-28. Review status: criteria provided, single submitter. Criteria: Ambry Variant Classification Scheme 2023. Collection method: clinical testing. Allele origin: germline.
Comment: The p.D958N variant (also known as c.2872G>A), located in coding exon 22 of the BUB1B gene, results from a G to A substitution at nucleotide position 2872. The aspartic acid at codon 958 is replaced by asparagine, an amino acid with highly similar properties. This amino acid position is conserved. In addition, this alteration is predicted to be tolerated by in silico analysis. Based on the available evidence, the clinical significance of this variant remains unclear.

NM_001211.6(BUB1B):c.2872G>A (p.Asp958Asn)

Genes: BUB1B (BUB1 mitotic checkpoint serine/threonine kinase B; plus strand), BUB1B-PAK6 (BUB1B-PAK6 readthrough; plus strand). Cytogenetic location: 15q15.1.
Variant type: single nucleotide variant.
Coding change: c.2872G>A on transcript NM_001211.6 (MANE Select); coding-DNA position 2872, G replaced by A.
Protein change: p.Asp958Asn; replaces aspartic acid 958 with asparagine.
Molecular consequence: missense variant. On other transcripts: intron variant (2).
Genome position (GRCh38, 1-based): chr15:40,218,477, G>A. VCF-style: chr15-40218477-G-A. GRCh37 (hg19) VCF-style: chr15-40510678-G-A.
Other names: c.-201+810G>A (NM_001128628.3); c.-118+810G>A (NM_001128629.3); short protein forms D958N.
Identifiers: ClinVar variation 3826110 (VCV003826110.1).